The following is an entry in ClinVar:

NM_003265.3(TLR3):c.1535A>G (p.Asp512Gly)

Gene: TLR3 (toll like receptor 3; plus strand). Cytogenetic location: 4q35.1.
Variant type: single nucleotide variant.
Coding change: c.1535A>G on transcript NM_003265.3 (MANE Select); coding-DNA position 1535, A replaced by G.
Protein change: p.Asp512Gly; replaces aspartic acid 512 with glycine.
Molecular consequence: missense variant.
Genome position (GRCh38, 1-based): chr4:186,083,221, A>G. VCF-style: chr4-186083221-A-G. GRCh37 (hg19) VCF-style: chr4-187004375-A-G.
Other names: short protein forms D512G.
Identifiers: ClinVar variation 3718216 (VCV003718216.2).
Genomic context (GRCh38, chr4:186,083,221, plus strand): 5'-TTAAAAATGTGGATAGCTCTCCTTCACCATTCCAGCCTCTTCGTAACTTGACCATTCTGG[A>G]TCTAAGCAACAACAACATAGCCAACATAAATGATGACATGTTGGAGGGTCTTGAGAAACT-3'
Protein context (NP_003256.1, residues 502-522): FQPLRNLTIL[Asp512Gly]LSNNNIANIN

ClinVar aggregate classification (germline): Uncertain significance (1 of 4 stars; one submission).

Conditions:
Encephalopathy, acute, infection-induced (herpes-specific), susceptibility to, 1. Also called: Herpes simplex encephalitis, susceptibility to, 1. Identifiers: Orphanet 1930, MedGen C2750180, MONDO:0024563, OMIM 610551.

gnomAD v4.1: 4 of 1,614,088 alleles (0.00025%); highest among the groups gnomAD compares: African/African-American, 0.0053%; no homozygotes.

Submission:

Labcorp Genetics (formerly Invitae), Labcorp
Classification: Uncertain significance for Encephalopathy, acute, infection-induced (herpes-specific), susceptibility to, 1. Last evaluated: 2025-03-22. Review status: criteria provided, single submitter. Criteria: Invitae Variant Classification Sherloc (09022015). Collection method: clinical testing. Allele origin: germline.
Comment: This sequence change replaces aspartic acid, which is acidic and polar, with glycine, which is neutral and non-polar, at codon 512 of the TLR3 protein (p.Asp512Gly). This variant is present in population databases (no rsID available, gnomAD 0.01%). This variant has not been reported in the literature in individuals affected with TLR3-related conditions. An algorithm developed to predict the effect of missense changes on protein structure and function (PolyPhen-2) suggests that this variant is likely to be disruptive. In summary, the available evidence is currently insufficient to determine the role of this variant in disease. Therefore, it has been classified as a Variant of Uncertain Significance.